The following is an entry in ClinVar:

NM_007294.4(BRCA1):c.5294A>T (p.Glu1765Val)

Gene: BRCA1 (BRCA1 DNA repair associated; minus strand). Cytogenetic location: 17q21.31.
Variant type: single nucleotide variant.
Coding change: c.5294A>T on transcript NM_007294.4 (MANE Select); coding-DNA position 5294, A replaced by T.
Protein change: p.Glu1765Val; replaces glutamic acid 1765 with valine.
Molecular consequence: missense variant. On other transcripts: non-coding transcript variant (1).
Genome position (GRCh38, 1-based): chr17:43,051,101, T>A on the plus strand (A>T on the coding strand, the complement: BRCA1 is on the minus strand). VCF-style: chr17-43051101-T-A. GRCh37 (hg19) VCF-style: chr17-41203118-T-A.
Other names: c.5081A>T, p.Glu1694Val (NM_001407571.1, NM_001407894.1, NM_001407895.1 and 12 more transcripts); c.5360A>T, p.Glu1787Val (NM_001407581.1, NM_001407582.1); c.5357A>T, p.Glu1786Val (NM_001407583.1, NM_001407585.1, NM_001407587.1 and 1 more transcripts); c.5354A>T, p.Glu1785Val (NM_001407590.1, NM_001407591.1); c.5294A>T, p.Glu1765Val (NM_001407593.1, NM_001407594.1, NM_001407596.1 and 6 more transcripts); c.5291A>T, p.Glu1764Val (NM_001407615.1, NM_001407616.1, NM_001407617.1 and 17 more transcripts); c.5288A>T, p.Glu1763Val (NM_001407634.1, NM_001407635.1, NM_001407636.1 and 14 more transcripts); c.5213A>T, p.Glu1738Val (NM_001407656.1, NM_001407657.1, NM_001407658.1); and 72 more; short protein forms E1786V, E661V, E1718V, E1765V, E1469V, E1596V, E1677V, E1694V.
Identifiers: ClinVar variation 865566 (VCV000865566.3), dbSNP rs2051209003, ClinGen allele CA10590960.
Genomic context (GRCh38, chr17:43,051,101, plus strand): 5'-TGGGGTTCTCCCAGGCTCTTACCTGTGGGCATGTTGGTGAAGGGCCCATAGCAACAGATT[T>A]CTAGCCCCCTGAAGATCTGGAAGAAGAGAGGAAGAGAGAGGGACAGGGGAATGGAGAGAA-3'
Protein context (NP_009225.1, residues 1755-1775): SQDRKIFRGL[Glu1765Val]ICCYGPFTNM

Conditions:
Breast-ovarian cancer, familial, susceptibility to, 1 (BROVCA1). Also called: BRCA1 Hereditary Breast and Ovarian Cancer; OVARIAN CANCER, SUSCEPTIBILITY TO. Identifiers: Orphanet 145, MedGen C2676676, MONDO:0011450, OMIM 604370. Disease mechanism: loss of function.

Submission:

Brotman Baty Institute, University of Washington
No classification provided (evidence only). Condition: Breast-ovarian cancer, familial 1. Review status: no classification provided. Collection method: in vitro. Allele origin: not applicable. Functional consequence: functionally_normal.
ClinVar note: "not provided" was previously submitted as the classification for the variant. However, the classification appeared to be based only on an observation of functional data so it was converted to no classification on 2025-07-30.